The following is an entry in ClinVar:

ClinVar aggregate classification (germline): Pathogenic (1 of 4 stars; one submission).

Conditions:
Tumor predisposition syndrome 3 (TPDS3). Also called: Melanoma, cutaneous malignant, susceptibility to, 10; Glioma susceptibility 9; LONG TELOMERE SYNDROME, POT1-RELATED; POT1 Tumor Predisposition. Identifiers: Orphanet 618, MedGen C4014476, MONDO:0014368, OMIM 615848.

Submission:

Labcorp Genetics (formerly Invitae), Labcorp
Classification: Pathogenic for Tumor predisposition syndrome 3. Last evaluated: 2025-05-01. Review status: criteria provided, single submitter. Criteria: Invitae Variant Classification Sherloc (09022015). Collection method: clinical testing. Allele origin: germline.
Comment: This sequence change creates a premature translational stop signal (p.Thr408Profs*27) in the POT1 gene. It is expected to result in an absent or disrupted protein product. Loss-of-function variants in POT1 are known to be pathogenic (PMID: 32155570). This variant is not present in population databases (gnomAD no frequency). This variant has not been reported in the literature in individuals affected with POT1-related conditions. ClinVar contains an entry for this variant (Variation ID: 2979121). For these reasons, this variant has been classified as Pathogenic.

Literature cited by the submitters: PubMed 32155570.

NM_015450.3(POT1):c.1222del (p.Thr408fs)

Gene: POT1 (protection of telomeres 1; minus strand). Cytogenetic location: 7q31.33.
Variant type: Deletion.
Coding change: c.1222del on transcript NM_015450.3 (MANE Select); coding-DNA position 1222, one base deleted (A; older notation c.1222delA).
Protein change: p.Thr408fs; shifts the reading frame from threonine 408.
Molecular consequence: frameshift variant. On other transcripts: non-coding transcript variant (3).
Genome position (GRCh38, 1-based): chr7:124,841,120, T deleted on the plus strand (A on the coding strand, the reverse complement: POT1 is on the minus strand); the first of 4 consecutive T bases (chr7:124,841,120-124,841,123); deleting any one gives the same sequence. VCF-style (leftmost placement, unchanged base first): chr7-124841119-GT-G. GRCh37 (hg19) VCF-style: chr7-124481173-GT-G.
Other names: c.829del, p.Thr277fs (NM_001042594.2); short protein forms T408fs, T277fs.
Identifiers: ClinVar variation 2979121 (VCV002979121.3), dbSNP rs2485395228, ClinGen allele CA2740097523.
Genomic context (GRCh38, chr7:124,841,119, plus strand): 5'-TTTTTAGTGGTCCAGATTTTTGAATCATATAATGATGTATTTTGTAGCTTGACATCTGGG[GT>G]TTTAGTTGCACCATCCTGAAAAATTATATCCAAATCGCCCTCATGTGGAACTTCTTGCCT-3'